The following is an entry in ClinVar:

NM_000059.4(BRCA2):c.1799_1804del (p.Tyr600_Gly602delinsTer)

Gene: BRCA2 (BRCA2 DNA repair associated; plus strand). Cytogenetic location: 13q13.1.
Variant type: Deletion.
Coding change: c.1799_1804del on transcript NM_000059.4 (MANE Select); coding-DNA positions 1799 to 1804, 6 bases deleted (ATAAAG; older notation c.1799_1804delATAAAG).
Protein change: p.Tyr600_Gly602delinsTer.
Molecular consequence: nonsense. On other transcripts: non-coding transcript variant (1), intron variant (1).
Genome position (GRCh38, 1-based): chr13:32,333,277-32,333,282, ATAAAG deleted. VCF-style (leftmost placement, unchanged base first): chr13-32333276-TATAAAG-T. GRCh37 (hg19) VCF-style: chr13-32907413-TATAAAG-T.
Other names: c.1799_1804del, p.Tyr600_Gly602delinsTer (NM_001406719.1, NM_001406720.1, NM_001406721.1 and 1 more transcripts); c.424+2247_424+2252del (NM_001406722.1).
Identifiers: ClinVar variation 3661337 (VCV003661337.2).

ClinVar aggregate classification (germline): Pathogenic (1 of 4 stars; one submission).

Conditions:
Hereditary breast ovarian cancer syndrome. Also called: Hereditary breast and ovarian cancer syndrome; Hereditary breast and/or ovarian cancer syndrome; Hereditary breast and ovarian cancer; Breast and ovarian cancer; Hereditary breast and ovarian cancer syndrome (HBOC); BRCA1- and BRCA2-Associated Hereditary Breast and Ovarian Cancer. Identifiers: Orphanet 145, MedGen C0677776, MeSH D061325, MONDO:0003582. Disease mechanism: loss of function.

Submission:

Labcorp Genetics (formerly Invitae), Labcorp
Classification: Pathogenic for Hereditary breast ovarian cancer syndrome. Last evaluated: 2024-08-05. Review status: criteria provided, single submitter. Criteria: Invitae Variant Classification Sherloc (09022015). Collection method: clinical testing. Allele origin: germline.
Comment: This sequence change creates a premature translational stop signal (p.Tyr600*) in the BRCA2 gene. It is expected to result in an absent or disrupted protein product. Loss-of-function variants in BRCA2 are known to be pathogenic (PMID: 20104584). This variant is not present in population databases (gnomAD no frequency). This premature translational stop signal has been observed in individual(s) with prostate cancer (PMID: 35734583). This variant is also known as p.Tyr600_Gly602delinsTer. For these reasons, this variant has been classified as Pathogenic.

Literature cited by the submitters: PubMed 20104584; PubMed 35734583.